The following is an entry in ClinVar:

ClinVar aggregate classification (germline): Uncertain significance (1 of 4 stars; one submission).

Conditions:
Cardiovascular phenotype. Identifiers: MedGen CN230736.

gnomAD v4.1: 1 of 1,550,338 alleles (0.000065%); highest among the groups gnomAD compares: Non-Finnish European, 0.000087%; no homozygotes.

Submission:

Ambry Genetics
Classification: Uncertain significance for Cardiovascular phenotype. Last evaluated: 2024-11-10. Review status: criteria provided, single submitter. Criteria: Ambry Variant Classification Scheme 2023. Collection method: clinical testing. Allele origin: germline.
Comment: The p.S1210G variant (also known as c.3628A>G), located in coding exon 2 of the ZNF469 gene, results from an A to G substitution at nucleotide position 3628. The serine at codon 1210 is replaced by glycine, an amino acid with similar properties. This amino acid position is conserved. In addition, this alteration is predicted to be tolerated by in silico analysis. Based on the available evidence, the clinical significance of this variant remains unclear.

NM_001367624.2(ZNF469):c.3712A>G (p.Ser1238Gly)

Gene: ZNF469 (zinc finger protein 469; plus strand). Cytogenetic location: 16q24.2.
Variant type: single nucleotide variant.
Coding change: c.3712A>G on transcript NM_001367624.2 (MANE Select); coding-DNA position 3712, A replaced by G.
Protein change: p.Ser1238Gly; replaces serine 1238 with glycine.
Molecular consequence: missense variant.
Genome position (GRCh38, 1-based): chr16:88,431,182, A>G. VCF-style: chr16-88431182-A-G. GRCh37 (hg19) VCF-style: chr16-88497590-A-G.
Other names: NM_001127464.1:c.3628A>G; short protein forms S1238G.
Identifiers: ClinVar variation 3476269 (VCV003476269.1).